The following is an entry in ClinVar:

ClinVar aggregate classification (germline): Uncertain significance (1 of 4 stars; one submission).

Conditions:
Inborn genetic diseases. Identifiers: MedGen C0950123, MeSH D030342.

gnomAD v4.1: 4 of 1,612,082 alleles (0.00025%); highest among the groups gnomAD compares: African/African-American, 0.0053%; no homozygotes.

Submission:

Ambry Genetics
Classification: Uncertain significance for Inborn genetic diseases. Last evaluated: 2025-01-08. Review status: criteria provided, single submitter. Criteria: Ambry Variant Classification Scheme 2023. Collection method: clinical testing. Allele origin: germline.
Comment: The p.C625W variant (also known as c.1875C>G), located in coding exon 11 of the RECQL4 gene, results from a C to G substitution at nucleotide position 1875. The cysteine at codon 625 is replaced by tryptophan, an amino acid with highly dissimilar properties. This amino acid position is conserved. In addition, this alteration is predicted to be deleterious by in silico analysis. Based on the available evidence, the clinical significance of this variant remains unclear.

NM_004260.4(RECQL4):c.1875C>G (p.Cys625Trp)

Gene: RECQL4 (RecQ like helicase 4; minus strand). Cytogenetic location: 8q24.3.
Variant type: single nucleotide variant.
Coding change: c.1875C>G on transcript NM_004260.4 (MANE Select); coding-DNA position 1875, C replaced by G.
Protein change: p.Cys625Trp; replaces cysteine 625 with tryptophan.
Molecular consequence: missense variant. On other transcripts: non-coding transcript variant (3).
Genome position (GRCh38, 1-based): chr8:144,514,192, G>C on the plus strand (C>G on the coding strand, the complement: RECQL4 is on the minus strand). VCF-style: chr8-144514192-G-C. GRCh37 (hg19) VCF-style: chr8-145739576-G-C.
Other names: c.1779C>G, p.Cys593Trp (NM_001413017.1, NM_001413020.1); c.1875C>G, p.Cys625Trp (NM_001413018.1, NM_001413019.1, NM_001413036.1); c.804C>G, p.Cys268Trp (NM_001413021.1, NM_001413022.1, NM_001413023.1 and 6 more transcripts); c.1746C>G, p.Cys582Trp (NM_001413025.1); c.738C>G, p.Cys246Trp (NM_001413027.1, NM_001413030.1, NM_001413032.1 and 1 more transcripts); c.1524C>G, p.Cys508Trp (NM_001413029.1); c.606C>G, p.Cys202Trp (NM_001413031.1); c.1743C>G, p.Cys581Trp (NM_001413033.1); and 4 more; short protein forms C136W, C224W, C246W, C258W, C625W, C202W, C268W, C508W.
Identifiers: ClinVar variation 3787989 (VCV003787989.1).